The following is an entry in ClinVar:

ClinVar aggregate classification (germline): Uncertain significance. Review status: criteria provided, multiple submitters, no conflicts (2 of 4 stars). 2 submissions from 2 submitters: Uncertain significance (2). Last evaluated 2025-03-20.

Conditions:
Inborn genetic diseases. Identifiers: MedGen C0950123, MeSH D030342.

Submissions (2):

Ambry Genetics
Classification: Uncertain significance for Inborn genetic diseases. Last evaluated: 2025-03-20. Review status: criteria provided, single submitter. Criteria: Ambry Variant Classification Scheme 2023. Collection method: clinical testing. Allele origin: germline.

Labcorp Genetics (formerly Invitae), Labcorp
Classification: Uncertain significance. Last evaluated: 2022-06-27. Review status: criteria provided, single submitter. Criteria: Invitae Variant Classification Sherloc (09022015). Collection method: clinical testing. Allele origin: germline.
Comment: In summary, the available evidence is currently insufficient to determine the role of this variant in disease. Therefore, it has been classified as a Variant of Uncertain Significance. Algorithms developed to predict the effect of sequence changes on RNA splicing suggest that this variant may create or strengthen a splice site. Algorithms developed to predict the effect of missense changes on protein structure and function (SIFT, PolyPhen-2, Align-GVGD) all suggest that this variant is likely to be disruptive. This variant has not been reported in the literature in individuals affected with KIAA0753-related conditions. This variant is not present in population databases (gnomAD no frequency). This sequence change replaces isoleucine, which is neutral and non-polar, with arginine, which is basic and polar, at codon 361 of the KIAA0753 protein (p.Ile361Arg).

NM_014804.3(KIAA0753):c.1082T>G (p.Ile361Arg)

Gene: KIAA0753 (KIAA0753; minus strand). Cytogenetic location: 17p13.1.
Variant type: single nucleotide variant.
Coding change: c.1082T>G on transcript NM_014804.3 (MANE Select); coding-DNA position 1082, T replaced by G.
Protein change: p.Ile361Arg; replaces isoleucine 361 with arginine.
Molecular consequence: missense variant. On other transcripts: non-coding transcript variant (3).
Genome position (GRCh38, 1-based): chr17:6,622,904, A>C on the plus strand (T>G on the coding strand, the complement: KIAA0753 is on the minus strand). VCF-style: chr17-6622904-A-C. GRCh37 (hg19) VCF-style: chr17-6526224-A-C.
Other names: c.1082T>G (NM_014804.2); c.185T>G, p.Ile62Arg (NM_001351225.2); short protein forms I62R, I361R.
Identifiers: ClinVar variation 1473610 (VCV001473610.7), dbSNP rs1971421758, ClinGen allele CA397412731.